The following is an entry in ClinVar:

NM_016373.4(WWOX):c.517-17A>G

Gene: WWOX (WW domain containing oxidoreductase; plus strand). Cytogenetic location: 16q23.1.
Variant type: single nucleotide variant.
Coding change: c.517-17A>G on transcript NM_016373.4 (MANE Select); 17 bases into the intron before coding-DNA position 517, A replaced by G.
Molecular consequence: intron variant.
Genome position (GRCh38, 1-based): chr16:78,386,843, A>G. VCF-style: chr16-78386843-A-G. GRCh37 (hg19) VCF-style: chr16-78420740-A-G.
Other names: c.178-17A>G (NM_001291997.2).
Identifiers: ClinVar variation 385633 (VCV000385633.10), dbSNP rs79423401, ClinGen allele CA8183312.

ClinVar aggregate classification (germline): Benign/Likely benign. Review status: criteria provided, multiple submitters, no conflicts (2 of 4 stars). 4 submissions from 3 submitters: Benign (3); Likely benign (1). Last evaluated 2025-11-25.

Conditions:
Developmental and epileptic encephalopathy, 28 (DEE28). Also called: Epileptic encephalopathy, early infantile, 28. Identifiers: Orphanet 442835, MedGen C4015519, MONDO:0014533, OMIM 616211.
Autosomal recessive spinocerebellar ataxia 12. Also called: SPINOCEREBELLAR ATAXIA WITH MENTAL RETARDATION AND EPILEPSY. Identifiers: Orphanet 284282, MedGen C3280452, MONDO:0013687, OMIM 614322.
Developmental and epileptic encephalopathy, 1 (DEE1). Also called: Epileptic encephalopathy, early infantile, 1; X-linked infantile spasms; West's syndrome; Tonic spasms with clustering, arrest of psychomotor development and hypsarrhythmia on EEG; X-Linked Infantile Spasm Syndrome; OHTAHARA SYNDROME, X-LINKED. Identifiers: MedGen C3463992, MONDO:0010632, OMIM 308350. Disease mechanism: loss of function.

Allele frequency attached by ClinVar (database versions not stated): TOPMed 0.00012; gnomAD 0.00014 and 0.00037; gnomAD exomes 0.00019 and 0.00083; ExAC 0.00021; 1000 Genomes Project 30x 0.00109; 1000 Genomes Project 0.00140.
gnomAD v4.1: 1,219 of 1,606,484 alleles (0.076%); highest among the groups gnomAD compares: East Asian, 2.7%; 31 homozygotes.

Submissions (4):

Labcorp Genetics (formerly Invitae), Labcorp
Classification: Benign for Developmental and epileptic encephalopathy, 1; Autosomal recessive spinocerebellar ataxia 12. Last evaluated: 2025-11-25. Review status: criteria provided, single submitter. Criteria: Invitae Variant Classification Sherloc (09022015). Collection method: clinical testing. Allele origin: germline.

Genome-Nilou Lab
Classification: Benign for Developmental and epileptic encephalopathy, 28. Last evaluated: 2021-12-05. Review status: criteria provided, single submitter. Criteria: ACMG Guidelines, 2015. Collection method: clinical testing. Allele origin: germline. Affected: no.

Genome-Nilou Lab
Classification: Benign for Autosomal recessive spinocerebellar ataxia 12. Last evaluated: 2021-12-05. Review status: criteria provided, single submitter. Criteria: ACMG Guidelines, 2015. Collection method: clinical testing. Allele origin: germline. Affected: no.

GeneDx
Classification: Likely benign. Last evaluated: 2017-04-12. Review status: criteria provided, single submitter. Criteria: GeneDx Variant Classification (06012015). Collection method: clinical testing. Allele origin: germline. Affected: yes.
Comment: This variant is considered likely benign or benign based on one or more of the following criteria: it is a conservative change, it occurs at a poorly conserved position in the protein, it is predicted to be benign by multiple in silico algorithms, and/or has population frequency not consistent with disease.